The following is an entry in ClinVar:

ClinVar aggregate classification (germline): Pathogenic (0 of 4 stars; one submission).

Conditions:
Autosomal recessive nonsyndromic hearing loss 2. Also called: DEAFNESS, AUTOSOMAL RECESSIVE 2; NEUROSENSORY NONSYNDROMIC RECESSIVE DEAFNESS 2. Identifiers: Orphanet 90636, MedGen C1838701, MONDO:0010807, OMIM 600060.

Submission:

Laboratory of Prof. Karen Avraham, Tel Aviv University
Classification: Pathogenic for Autosomal recessive nonsyndromic hearing loss 2. Last evaluated: 2016-02-19. Review status: no assertion criteria provided. Collection method: research. Allele origin: germline. Affected: yes.
Comment: Congenital, moderate HL

NSHL; recessive, DFNB2

NM_000260.3(MYO7A):c.[1969C>T];[29T>C]

Variant type: CompoundHeterozygote.
Identifiers: ClinVar variation 424810 (VCV000424810.2).